The following is an entry in ClinVar:

ClinVar aggregate classification (germline): Uncertain significance (1 of 4 stars; one submission).

Allele frequency attached by ClinVar (database versions not stated): gnomAD exomes below 0.00001.
gnomAD v4.1: 1 of 1,614,162 alleles (0.000062%); highest among the groups gnomAD compares: Admixed American, 0.0017%; no homozygotes.

Submission:

Labcorp Genetics (formerly Invitae), Labcorp
Classification: Uncertain significance. Last evaluated: 2022-09-16. Review status: criteria provided, single submitter. Criteria: Invitae Variant Classification Sherloc (09022015). Collection method: clinical testing. Allele origin: germline.
Comment: Algorithms developed to predict the effect of missense changes on protein structure and function are either unavailable or do not agree on the potential impact of this missense change (SIFT: "Deleterious"; PolyPhen-2: "Benign"; Align-GVGD: "Class C0"). In summary, the available evidence is currently insufficient to determine the role of this variant in disease. Therefore, it has been classified as a Variant of Uncertain Significance. This variant has not been reported in the literature in individuals affected with NDUFAF1-related conditions. This variant is present in population databases (no rsID available, gnomAD 0.003%). This sequence change replaces aspartic acid, which is acidic and polar, with tyrosine, which is neutral and polar, at codon 58 of the NDUFAF1 protein (p.Asp58Tyr).

NM_016013.4(NDUFAF1):c.172G>T (p.Asp58Tyr)

Gene: NDUFAF1 (NADH:ubiquinone oxidoreductase complex assembly factor 1; minus strand). Cytogenetic location: 15q15.1.
Variant type: single nucleotide variant.
Coding change: c.172G>T on transcript NM_016013.4 (MANE Select); coding-DNA position 172, G replaced by T.
Protein change: p.Asp58Tyr; replaces aspartic acid 58 with tyrosine.
Molecular consequence: missense variant. On other transcripts: non-coding transcript variant (1).
Genome position (GRCh38, 1-based): chr15:41,396,888, C>A on the plus strand (G>T on the coding strand, the complement: NDUFAF1 is on the minus strand). VCF-style: chr15-41396888-C-A. GRCh37 (hg19) VCF-style: chr15-41689086-C-A.
Other names: short protein forms D58Y.
Identifiers: ClinVar variation 2049277 (VCV002049277.4), dbSNP rs1044750026, ClinGen allele CA269681350.